The following is an entry in ClinVar:

NM_000548.5(TSC2):c.413A>G (p.Glu138Gly)

Gene: TSC2 (TSC complex subunit 2; plus strand). Cytogenetic location: 16p13.3.
Variant type: single nucleotide variant.
Coding change: c.413A>G on transcript NM_000548.5 (MANE Select); coding-DNA position 413, A replaced by G.
Protein change: p.Glu138Gly; replaces glutamic acid 138 with glycine.
Molecular consequence: missense variant. On other transcripts: intron variant (1).
Genome position (GRCh38, 1-based): chr16:2,054,372, A>G. VCF-style: chr16-2054372-A-G. GRCh37 (hg19) VCF-style: chr16-2104373-A-G.
Other names: c.413A>G, p.Glu138Gly (NM_001114382.3, NM_001363528.2, NM_001370404.1 and 3 more transcripts); c.302A>G, p.Glu101Gly (NM_001318827.2); c.266A>G, p.Glu89Gly (NM_001318829.2); c.446A>G, p.Glu149Gly (NM_001318832.2); c.-1-1824A>G (NM_001318831.2); short protein forms E101G, E138G, E149G, E89G.
Identifiers: ClinVar variation 1309506 (VCV001309506.5), dbSNP rs2151042580, ClinGen allele CA394307106.

ClinVar aggregate classification (germline): Uncertain significance. Review status: criteria provided, multiple submitters, no conflicts (2 of 4 stars). 2 submissions from 2 submitters: Uncertain significance (2). Last evaluated 2024-04-08.

Conditions:
Tuberous sclerosis 2 (TSC2). Identifiers: Orphanet 805, MedGen C1860707, MONDO:0013199, OMIM 613254.

Submissions (2):

Labcorp Genetics (formerly Invitae), Labcorp
Classification: Uncertain significance for Tuberous sclerosis 2. Last evaluated: 2024-04-08. Review status: criteria provided, single submitter. Criteria: Invitae Variant Classification Sherloc (09022015). Collection method: clinical testing. Allele origin: germline.
Comment: This sequence change replaces glutamic acid, which is acidic and polar, with glycine, which is neutral and non-polar, at codon 138 of the TSC2 protein (p.Glu138Gly). This variant is not present in population databases (gnomAD no frequency). This variant has not been reported in the literature in individuals affected with TSC2-related conditions. ClinVar contains an entry for this variant (Variation ID: 1309506). Advanced modeling of protein sequence and biophysical properties (such as structural, functional, and spatial information, amino acid conservation, physicochemical variation, residue mobility, and thermodynamic stability) performed at Invitae indicates that this missense variant is not expected to disrupt TSC2 protein function with a negative predictive value of 95%. In summary, the available evidence is currently insufficient to determine the role of this variant in disease. Therefore, it has been classified as a Variant of Uncertain Significance.

GeneDx
Classification: Uncertain significance. Last evaluated: 2019-08-30. Review status: criteria provided, single submitter. Criteria: GeneDx Variant Classification Process June 2021. Collection method: clinical testing. Allele origin: germline. Affected: yes.
Comment: Not observed in large population cohorts (Lek et al., 2016); In silico analysis, which includes protein predictors and evolutionary conservation, supports a deleterious effect; Has not been previously published as pathogenic or benign to our knowledge